The following is an entry in ClinVar:

NM_001267550.2(TTN):c.55432+1G>T

Genes: TTN (titin; minus strand), TTN-AS1 (TTN antisense RNA 1; plus strand). Cytogenetic location: 2q31.2.
Variant type: single nucleotide variant.
Coding change: c.55432+1G>T on transcript NM_001267550.2 (MANE Select); the canonical splice donor site of the intron after coding-DNA position 55432, G replaced by T.
Molecular consequence: splice donor variant.
Genome position (GRCh38, 1-based): chr2:178,601,657, C>A on the plus strand (G>T on the coding strand, the complement: TTN is on the minus strand). VCF-style: chr2-178601657-C-A. GRCh37 (hg19) VCF-style: chr2-179466384-C-A.
Other names: c.28237+1G>T (NM_003319.4); c.28813+1G>T (NM_133437.4); c.28612+1G>T (NM_133432.3); c.47728+1G>T (NM_133378.4); c.50509+1G>T (NM_001256850.1).
Identifiers: ClinVar variation 2951187 (VCV002951187.3), dbSNP rs2053485503, ClinGen allele CA349541415.

ClinVar aggregate classification (germline): Likely pathogenic (1 of 4 stars; one submission).

Conditions:
Dilated cardiomyopathy 1G (CMD1G). Identifiers: Orphanet 154, MedGen C1858763, MONDO:0011400, OMIM 604145.
Autosomal recessive limb-girdle muscular dystrophy type 2J (LGMDR10). Also called: Limb-girdle muscular dystrophy, type 2J; MUSCULAR DYSTROPHY, LIMB-GIRDLE, AUTOSOMAL RECESSIVE 10. Identifiers: Orphanet 140922, MedGen C1837342, MONDO:0012127, OMIM 608807.

gnomAD v4.1: 1 of 1,591,516 alleles (0.000063%); highest among the groups gnomAD compares: Non-Finnish European, 0.000085%; no homozygotes.

Submission:

Labcorp Genetics (formerly Invitae), Labcorp
Classification: Likely pathogenic for Dilated cardiomyopathy 1G; Autosomal recessive limb-girdle muscular dystrophy type 2J. Last evaluated: 2023-08-22. Review status: criteria provided, single submitter. Criteria: Invitae Variant Classification Sherloc (09022015). Collection method: clinical testing. Allele origin: germline.
Comment: This variant is located in the A band of TTN (PMID: 25589632). Truncating variants in this region are significantly overrepresented in patients affected with dilated cardiomyopathy (PMID: 25589632). Truncating variants in this region have also been reported in individuals affected with autosomal recessive centronuclear myopathy (PMID: 23975875). In summary, the currently available evidence indicates that the variant is pathogenic, but additional data are needed to prove that conclusively. Therefore, this variant has been classified as Likely Pathogenic. Algorithms developed to predict the effect of sequence changes on RNA splicing suggest that this variant may disrupt the consensus splice site. This variant has not been reported in the literature in individuals affected with TTN-related conditions. This variant is not present in population databases (gnomAD no frequency). This sequence change affects a donor splice site in intron 286 of the TTN gene. It is expected to disrupt RNA splicing and likely results in a truncated or disrupted TTN protein.

Literature cited by the submitters: PubMed 25589632; PubMed 23975875.